The following is an entry in ClinVar:

ClinVar aggregate classification (germline): Likely pathogenic (1 of 4 stars; one submission).

Conditions:
Combined oxidative phosphorylation defect type 14. Also called: Combined oxidative phosphorylation deficiency 14. Identifiers: Orphanet 319519, MedGen C4755312, MONDO:0013986, OMIM 614946.

Submission:

Labcorp Genetics (formerly Invitae), Labcorp
Classification: Likely pathogenic for Combined oxidative phosphorylation defect type 14. Last evaluated: 2024-12-07. Review status: criteria provided, single submitter. Criteria: Invitae Variant Classification Sherloc (09022015). Collection method: clinical testing. Allele origin: germline.
Comment: This sequence change affects a donor splice site in intron 3 of the FARS2 gene. It is expected to disrupt RNA splicing. Variants that disrupt the donor or acceptor splice site typically lead to a loss of protein function (PMID: 16199547), and loss-of-function variants in FARS2 are known to be pathogenic (PMID: 22833457). This variant is not present in population databases (gnomAD no frequency). This variant has not been reported in the literature in individuals affected with FARS2-related conditions. Algorithms developed to predict the effect of sequence changes on RNA splicing suggest that this variant may disrupt the consensus splice site. In summary, the currently available evidence indicates that the variant is pathogenic, but additional data are needed to prove that conclusively. Therefore, this variant has been classified as Likely Pathogenic.

Literature cited by the submitters: PubMed 16199547; PubMed 22833457.

NM_006567.5(FARS2):c.772+2T>A

Gene: FARS2 (phenylalanyl-tRNA synthetase 2, mitochondrial; plus strand). Cytogenetic location: 6p25.1.
Variant type: single nucleotide variant.
Coding change: c.772+2T>A on transcript NM_006567.5 (MANE Select); the canonical splice donor site of the intron after coding-DNA position 772, T replaced by A.
Molecular consequence: splice donor variant.
Genome position (GRCh38, 1-based): chr6:5,404,703, T>A. VCF-style: chr6-5404703-T-A. GRCh37 (hg19) VCF-style: chr6-5404936-T-A.
Other names: c.772+2T>A (NM_001374875.1, NM_001374879.1, NM_001375257.1 and 5 more transcripts); c.76+2T>A (NM_001375260.1, NM_001375259.1).
Identifiers: ClinVar variation 3726824 (VCV003726824.2).